The following is an entry in ClinVar:

ClinVar aggregate classification (germline): Likely pathogenic (1 of 4 stars; one submission).

Conditions:
Fanconi anemia complementation group C (FANCC). Also called: Fanconi anemia, group C; FANCONI PANCYTOPENIA, TYPE 3; FACC; FANCC-Related Fanconi Anemia. Identifiers: Orphanet 84, MedGen C3468041, MONDO:0009213, OMIM 227645.

Submission:

Myriad Genetics, Inc.
Classification: Likely pathogenic for Fanconi anemia complementation group C. Last evaluated: 2020-04-12. Review status: criteria provided, single submitter. Criteria: Myriad Women's Health Autosomal Recessive and X-Linked Classification Criteria (2019). Collection method: clinical testing. Allele origin: unknown.
Comment: NM_000136.2(FANCC):c.1029C>A(Y343*) is expected to be pathogenic in the context of Fanconi anemia, FANCC-related. This variant is predicted to lead to an abnormal or absent protein product due to the creation of a premature termination codon in FANCC, a gene where loss-of-function variants are known to be pathogenic. Please note: this variant was assessed in the context of healthy population screening.

NM_000136.3(FANCC):c.1029C>A (p.Tyr343Ter)

Genes: AOPEP (aminopeptidase O (putative); plus strand), FANCC (FA complementation group C; minus strand). Cytogenetic location: 9q22.32.
Variant type: single nucleotide variant.
Coding change: c.1029C>A on transcript NM_000136.3 (MANE Select); coding-DNA position 1029, C replaced by A.
Protein change: p.Tyr343Ter; replaces tyrosine 343 with a stop codon.
Molecular consequence: nonsense.
Genome position (GRCh38, 1-based): chr9:95,117,358, G>T on the plus strand (C>A on the coding strand, the complement: FANCC is on the minus strand). VCF-style: chr9-95117358-G-T. GRCh37 (hg19) VCF-style: chr9-97879640-G-T.
Other names: c.1029C>A, p.Tyr343Ter (NM_001243743.2, NM_001243744.2); short protein forms Y343*.
Identifiers: ClinVar variation 984288 (VCV000984288.3), dbSNP rs2072504418, ClinGen allele CA374108176.